The following is an entry in ClinVar:

NM_031407.7(HUWE1):c.2911A>C (p.Met971Leu)

Gene: HUWE1 (HECT, UBA and WWE domain containing E3 ubiquitin protein ligase 1; minus strand). Cytogenetic location: Xp11.22.
Variant type: single nucleotide variant.
Coding change: c.2911A>C on transcript NM_031407.7 (MANE Select); coding-DNA position 2911, A replaced by C.
Protein change: p.Met971Leu; replaces methionine 971 with leucine.
Molecular consequence: missense variant.
Genome position (GRCh38, 1-based): chrX:53,602,624, T>G on the plus strand (A>C on the coding strand, the complement: HUWE1 is on the minus strand). VCF-style: chrX-53602624-T-G. GRCh37 (hg19) VCF-style: chrX-53629585-T-G.
Other names: c.2911A>C, p.Met971Leu (NM_001441048.1, NM_001441049.1, NM_001441051.1 and 6 more transcripts); c.2932A>C, p.Met978Leu (NM_001441050.1, NM_001441055.1); short protein forms M971L, M978L.
Identifiers: ClinVar variation 4689541 (VCV004689541.2).

ClinVar aggregate classification (germline): Conflicting classifications of pathogenicity. Review status: criteria provided, conflicting classifications (1 of 4 stars). 2 submissions from 2 submitters: Uncertain significance (1); Likely benign (1). Last evaluated 2026-05-04.

Conditions:
Intellectual developmental disorder, X-linked, syndromic, Turner type. Also called: X-linked intellectual disability, Turner type; Intellectual disability, X-linked syndromic, Turner type. Identifiers: Orphanet 3056, Orphanet 85328, MedGen C2678046, MONDO:0010407, OMIM 309590.

gnomAD v4.1: 3 of 1,196,150 alleles (0.00025%); highest among the groups gnomAD compares: South Asian, 0.0053%; no homozygotes.

Submissions (2):

Centre for Medical Genetics,  Mumbai
Classification: Likely benign for Intellectual developmental disorder, X-linked, syndromic, Turner type. Last evaluated: 2026-05-04. Review status: criteria provided, single submitter. Criteria: ACMG Guidelines, 2015. Collection method: provider interpretation. Allele origin: germline. Inheritance: X-linked inheritance. Affected: no.
Comment: The variant satisfies PM2 criteria - extremely low frequency in gnomAD population databases. The variant satisfies BS2 criteria; Variant was observed in a homozygous state in population databases more than expected for disease. The variant satisfies PP2 criteria - missense variant in a gene with low rate of benign missense mutations and for which missense mutation is a common mechanism of a disease. However, the variant satisfies BS2 criteria - present in heterozygous state in an individual that clinically does not have Intellectual developmental disorder.

Women's Health and Genetics/Laboratory Corporation of America, LabCorp
Classification: Uncertain significance. Last evaluated: 2026-01-08. Review status: criteria provided, single submitter. Criteria: LabCorp Variant Classification Summary - May 2015. Collection method: clinical testing. Allele origin: germline.
Comment: Variant summary: HUWE1 c.2911A>C (p.Met971Leu) results in a conservative amino acid change in the encoded protein sequence. Algorithms developed to predict the effect of missense changes on protein structure and function are either unavailable or do not agree on the potential impact of this missense change. The variant allele was found at a frequency of 2.5e-06 in 1191148 control chromosomes, including 2 hemizygotes (gnomAD v4.1). The available data on variant occurrences in the general population are insufficient to allow any conclusion about variant significance. To our knowledge, no occurrence of c.2911A>C in individuals affected with HUWE1-related conditions and no experimental evidence demonstrating its impact on protein function have been reported. No submitters have cited clinical-significance assessments for this variant to ClinVar. Based on the evidence outlined above, the variant was classified as uncertain significance.

Literature cited by the submitters: PubMed 7943042 (cited by Centre for Medical Genetics,  Mumbai).